The following is an entry in ClinVar:

ClinVar aggregate classification (germline): Uncertain significance (1 of 4 stars; one submission).

Conditions:
Growth hormone insensitivity with immune dysregulation 1, autosomal recessive. Also called: GROWTH HORMONE INSENSITIVITY DUE TO POSTRECEPTOR DEFECT; LARON SYNDROME DUE TO POSTRECEPTOR DEFECT; GROWTH HORMONE INSENSITIVITY SYNDROME WITH IMMUNE DYSREGULATION 1, AUTOSOMAL RECESSIVE; Laron syndrome with immunodeficiency. Identifiers: Orphanet 220465, MedGen C5435698, MONDO:0100211, OMIM 245590.

Allele frequency attached by ClinVar (database versions not stated): gnomAD 0.00001.
gnomAD v4.1: 1 of 1,614,146 alleles (0.000062%); highest among the groups gnomAD compares: Middle Eastern, 0.016%; no homozygotes.

Submission:

Labcorp Genetics (formerly Invitae), Labcorp
Classification: Uncertain significance for Growth hormone insensitivity with immune dysregulation 1, autosomal recessive. Last evaluated: 2023-06-25. Review status: criteria provided, single submitter. Criteria: Invitae Variant Classification Sherloc (09022015). Collection method: clinical testing. Allele origin: germline.
Comment: This variant is not present in population databases (gnomAD no frequency). This sequence change replaces leucine, which is neutral and non-polar, with phenylalanine, which is neutral and non-polar, at codon 142 of the STAT5B protein (p.Leu142Phe). This variant has not been reported in the literature in individuals affected with STAT5B-related conditions. Advanced modeling of protein sequence and biophysical properties (such as structural, functional, and spatial information, amino acid conservation, physicochemical variation, residue mobility, and thermodynamic stability) performed at Invitae indicates that this missense variant is not expected to disrupt STAT5B protein function. Algorithms developed to predict the effect of sequence changes on RNA splicing suggest that this variant may create or strengthen a splice site. In summary, the available evidence is currently insufficient to determine the role of this variant in disease. Therefore, it has been classified as a Variant of Uncertain Significance.

NM_012448.4(STAT5B):c.424C>T (p.Leu142Phe)

Gene: STAT5B (signal transducer and activator of transcription 5B; minus strand). Cytogenetic location: 17q21.2.
Variant type: single nucleotide variant.
Coding change: c.424C>T on transcript NM_012448.4 (MANE Select); coding-DNA position 424, C replaced by T.
Protein change: p.Leu142Phe; replaces leucine 142 with phenylalanine.
Molecular consequence: missense variant.
Genome position (GRCh38, 1-based): chr17:42,223,508, G>A on the plus strand (C>T on the coding strand, the complement: STAT5B is on the minus strand). VCF-style: chr17-42223508-G-A. GRCh37 (hg19) VCF-style: chr17-40375526-G-A.
Other names: short protein forms L142F.
Identifiers: ClinVar variation 2729039 (VCV002729039.3), dbSNP rs2144267377, ClinGen allele CA399589471.